The following is an entry in ClinVar:

ClinVar aggregate classification (germline): Pathogenic (1 of 4 stars; one submission).

Conditions:
Muscular dystrophy-dystroglycanopathy (congenital with impaired intellectual development), type B, 2. Also called: MUSCULAR DYSTROPHY, CONGENITAL, POMT2-RELATED; Muscular dystrophy-dystroglycanopathy (congenital with intellectual disability), type B2. Identifiers: MedGen C3150416, MONDO:0013160, OMIM 613156.
Muscular dystrophy-dystroglycanopathy (congenital with brain and eye anomalies), type A2. Also called: MUSCULAR DYSTROPHY-DYSTROGLYCANOPATHY (CONGENITAL WITH BRAIN AND EYE ANOMALIES), TYPE A, 2; WALKER-WARBURG SYNDROME OR MUSCLE-EYE-BRAIN DISEASE, POMT2-RELATED. Identifiers: Orphanet 588, Orphanet 899, MedGen C3150411, MONDO:0013154, OMIM 613150.
Autosomal recessive limb-girdle muscular dystrophy type 2N. Also called: MUSCULAR DYSTROPHY-DYSTROGLYCANOPATHY, LIMB-GIRDLE, POMT2-RELATED; Muscular dystrophy-dystroglycanopathy (limb-girdle), type C, 2. Identifiers: Orphanet 206559, MedGen C3150418, MONDO:0013162, OMIM 613158.

Submission:

Labcorp Genetics (formerly Invitae), Labcorp
Classification: Pathogenic for Muscular dystrophy-dystroglycanopathy (congenital with impaired intellectual development), type B, 2; Muscular dystrophy-dystroglycanopathy (congenital with brain and eye anomalies), type A2; Autosomal recessive limb-girdle muscular dystrophy type 2N. Last evaluated: 2023-03-08. Review status: criteria provided, single submitter. Criteria: Invitae Variant Classification Sherloc (09022015). Collection method: clinical testing. Allele origin: germline.
Comment: This sequence change creates a premature translational stop signal (p.Ser472Glufs*38) in the POMT2 gene. It is expected to result in an absent or disrupted protein product. Loss-of-function variants in POMT2 are known to be pathogenic (PMID: 15894594). This variant is not present in population databases (gnomAD no frequency). This variant has not been reported in the literature in individuals affected with POMT2-related conditions. For these reasons, this variant has been classified as Pathogenic.

Literature cited by the submitters: PubMed 15894594.

NM_013382.7(POMT2):c.1412_1413dup (p.Ser472fs)

Gene: POMT2 (protein O-mannosyltransferase 2; minus strand). Cytogenetic location: 14q24.3.
Variant type: Microsatellite.
Coding change: c.1412_1413dup on transcript NM_013382.7 (MANE Select); coding-DNA positions 1412 to 1413, 2 bases duplicated (GA; older notation c.1412_1413dupGA).
Protein change: p.Ser472fs; shifts the reading frame from serine 472.
Molecular consequence: frameshift variant.
Genome position (GRCh38, 1-based): chr14:77,285,552-77,285,553, TC duplicated on the plus strand (GA on the coding strand, the reverse complement: POMT2 is on the minus strand); duplicating any 2 consecutive bases within chr14:77,285,552-77,285,555 gives the same sequence; the c. name uses the placement nearest the transcript's 3' end. VCF-style (leftmost placement, unchanged base first): chr14-77285551-T-TTC. GRCh37 (hg19) VCF-style: chr14-77751894-T-TTC.
Other names: short protein forms S472fs.
Identifiers: ClinVar variation 2945093 (VCV002945093.3), dbSNP rs2503197148, ClinGen allele CA2740097176.
Genomic context (GRCh38, chr14:77,285,551, plus strand): 5'-GAACCTTTCCCGAGGAGCCCAGGACACAACCTGTGACCAAATGGATGAAGCGAATTCGAC[T>TTC]TCTCAGCACTTTGATCCGGTTTCCAAATTTCCTGTTTACGACCTCAATCCGCCAGAAATC-3'